The following is an entry in ClinVar:

ClinVar aggregate classification (germline): Likely benign. Review status: criteria provided, multiple submitters, no conflicts (2 of 4 stars). 2 submissions from 2 submitters: Likely benign (2). Last evaluated 2025-11-01.

Conditions:
Congenital myasthenic syndrome 8. Also called: Myasthenic syndrome, congenital, 8, with pre- and postsynaptic defects; MYASTHENIC SYNDROME, CONGENITAL, DUE TO AGRIN DEFICIENCY. Identifiers: Orphanet 590, MedGen C3808739, MONDO:0014052, OMIM 615120.

gnomAD v4.1: 6 of 1,613,326 alleles (0.00037%); highest among the groups gnomAD compares: Middle Eastern, 0.033%; no homozygotes.

Submissions (2):

CeGaT Center for Human Genetics Tuebingen
Classification: Likely benign. Last evaluated: 2025-11-01. Review status: criteria provided, single submitter. Criteria: CeGaT Center For Human Genetics Tuebingen Variant Classification Criteria Version 2. Collection method: clinical testing. Allele origin: germline. Affected: yes. Observed: 1 variant allele.
Comment: AGRN: BP4, BP7

Labcorp Genetics (formerly Invitae), Labcorp
Classification: Likely benign for Congenital myasthenic syndrome 8. Last evaluated: 2022-02-01. Review status: criteria provided, single submitter. Criteria: Invitae Variant Classification Sherloc (09022015). Collection method: clinical testing. Allele origin: germline.

NM_198576.4(AGRN):c.288C>T (p.Gly96=)

Genes: AGRN (agrin; plus strand), LOC126805576 (P300/CBP strongly-dependent group 1 enhancer GRCh37_chr1:956772-957971; plus strand). Cytogenetic location: 1p36.33.
Variant type: single nucleotide variant.
Coding change: c.288C>T on transcript NM_198576.4 (MANE Select); coding-DNA position 288, C replaced by T.
Protein change: p.Gly96=; no amino-acid change (glycine 96 retained).
Molecular consequence: synonymous variant.
Genome position (GRCh38, 1-based): chr1:1,022,287, C>T. VCF-style: chr1-1022287-C-T. GRCh37 (hg19) VCF-style: chr1-957667-C-T.
Other names: c.288C>T, p.Gly96= (NM_001305275.2).
Identifiers: ClinVar variation 2091331 (VCV002091331.10), dbSNP rs369704878, ClinGen allele CA415756442.